The following is an entry in ClinVar:

ClinVar aggregate classification (germline): Likely benign (1 of 4 stars; one submission).

gnomAD v4.1: 18 of 1,570,284 alleles (0.0011%); highest among the groups gnomAD compares: Admixed American, 0.031%; no homozygotes.

Submissions (2):

Mayo Clinic Laboratories, Mayo Clinic
Classification: Likely benign. Last evaluated: 2023-11-15. Review status: criteria provided, single submitter. Criteria: ACMG Guidelines, 2015. Collection method: clinical testing. Allele origin: germline. Observed: 2 variant alleles.
Comment: BP4, BP7

Dr. Peter K. Rogan Lab, Western University
No classification provided (evidence only). Condition: Clear cell carcinoma of kidney. Review status: no classification provided. Collection method: in vitro. Allele origin: not applicable. Functional consequence: retained intron. Not counted in ClinVar's aggregate classification.

NM_015231.3(NUP160):c.3081+6T>G

Gene: NUP160 (nucleoporin 160; minus strand). Cytogenetic location: 11p11.2.
Variant type: single nucleotide variant.
Coding change: c.3081+6T>G on transcript NM_015231.3 (MANE Select); 6 bases into the intron after coding-DNA position 3081, T replaced by G.
Molecular consequence: intron variant.
Genome position (GRCh38, 1-based): chr11:47,797,972, A>C on the plus strand (T>G on the coding strand, the complement: NUP160 is on the minus strand). VCF-style: chr11-47797972-A-C. GRCh37 (hg19) VCF-style: chr11-47819524-A-C.
Other names: NC_000011.9:g.47819524A>C; c.3183+6T>G (NM_015231.2).
Identifiers: ClinVar variation 4372283 (VCV004372283.2).
Genomic context (GRCh38, chr11:47,797,972, plus strand): 5'-TAAGTCAGTAGCAATCATGGCAACCACCATACTTGTTGAAAGCCATCACTGGATAAGTAA[A>C]ATTACCTCATTATGCAGATTCACATAGGGAAACTCTACAAGATCCTGTAGCTGTGAGCGT-3'